The following is an entry in ClinVar:

ClinVar aggregate classification (germline): Uncertain significance (1 of 4 stars; one submission).

Conditions:
Hereditary nonpolyposis colorectal neoplasms. Identifiers: MedGen C0009405, MeSH D003123.

Submission:

Labcorp Genetics (formerly Invitae), Labcorp
Classification: Uncertain significance for Hereditary nonpolyposis colorectal neoplasms. Last evaluated: 2025-07-30. Review status: criteria provided, single submitter. Criteria: Invitae Variant Classification Sherloc (09022015). Collection method: clinical testing. Allele origin: germline.
Comment: This sequence change replaces proline, which is neutral and non-polar, with threonine, which is neutral and polar, at codon 221 of the PMS2 protein (p.Pro221Thr). This variant is not present in population databases (gnomAD no frequency). This variant has not been reported in the literature in individuals affected with PMS2-related conditions. Invitae Evidence Modeling incorporating data from in vitro experimental studies (internal data) indicates that this missense variant is not expected to disrupt PMS2 function with a negative predictive value of 95%. In summary, the available evidence is currently insufficient to determine the role of this variant in disease. Therefore, it has been classified as a Variant of Uncertain Significance.

NM_000535.7(PMS2):c.661C>A (p.Pro221Thr)

Gene: PMS2 (PMS1 homolog 2, mismatch repair system component; minus strand). Cytogenetic location: 7p22.1.
Variant type: single nucleotide variant.
Coding change: c.661C>A on transcript NM_000535.7 (MANE Select); coding-DNA position 661, C replaced by A.
Protein change: p.Pro221Thr; replaces proline 221 with threonine.
Molecular consequence: missense variant. On other transcripts: 5 prime UTR variant (2), non-coding transcript variant (1), intron variant (9).
Genome position (GRCh38, 1-based): chr7:5,999,152, G>T on the plus strand (C>A on the coding strand, the complement: PMS2 is on the minus strand). VCF-style: chr7-5999152-G-T. GRCh37 (hg19) VCF-style: chr7-6038783-G-T.
Other names: c.256C>A, p.Pro86Thr (NM_001322003.2, NM_001322004.2, NM_001322005.2 and 19 more transcripts); c.661C>A, p.Pro221Thr (NM_001322006.2, NM_001322014.2, NM_001406870.1 and 4 more transcripts); c.343C>A, p.Pro115Thr (NM_001322007.2, NM_001322008.2, NM_001406876.1 and 4 more transcripts); c.-273C>A (NM_001322011.2, NM_001322012.2); c.352C>A, p.Pro118Thr (NM_001322015.2, NM_001406875.1, NM_001406877.1 and 6 more transcripts); c.847C>A, p.Pro283Thr (NM_001406866.1); c.685C>A, p.Pro229Thr (NM_001406868.1); c.325C>A, p.Pro109Thr (NM_001406885.1); and 6 more; short protein forms P283T, P86T, P109T, P118T, P221T, P229T, P115T.
Identifiers: ClinVar variation 4711178 (VCV004711178.1).
Genomic context (GRCh38, chr7:5,999,152, plus strand): 5'-AACCGGCCATCACTACCTGCTTCTGCCCAAACACAGAGCCGATATTTTCCTTTATGCTGG[G>T]GCTTCCACCTGTGCATACCACAGGCTGTCGTTTTCCTTGTCCAAGCTGATTGGTGCAACT-3'
Protein context (NP_000526.2, residues 211-231): RQPVVCTGGS[Pro221Thr]SIKENIGSVF